The following is an entry in ClinVar:

NM_000057.4(BLM):c.1370A>C (p.His457Pro)

Gene: BLM (BLM RecQ like helicase; plus strand). Cytogenetic location: 15q26.1.
Variant type: single nucleotide variant.
Coding change: c.1370A>C on transcript NM_000057.4 (MANE Select); coding-DNA position 1370, A replaced by C.
Protein change: p.His457Pro; replaces histidine 457 with proline.
Molecular consequence: missense variant.
Genome position (GRCh38, 1-based): chr15:90,760,743, A>C. VCF-style: chr15-90760743-A-C. GRCh37 (hg19) VCF-style: chr15-91303973-A-C.
Other names: c.1370A>C, p.His457Pro (NM_001287246.2, NM_001287247.2); c.245A>C, p.His82Pro (NM_001287248.2); short protein forms H457P, H82P.
Identifiers: ClinVar variation 2709308 (VCV002709308.3), dbSNP rs2151158103, ClinGen allele CA393842916.

ClinVar aggregate classification (germline): Uncertain significance (1 of 4 stars; one submission).

Conditions:
Bloom syndrome (BLM). Also called: Bloom-Torre-Machacek syndrome. Identifiers: Orphanet 125, MedGen C0005859, MONDO:0008876, OMIM 210900.

Submission:

Labcorp Genetics (formerly Invitae), Labcorp
Classification: Uncertain significance for Bloom syndrome. Last evaluated: 2024-03-07. Review status: criteria provided, single submitter. Criteria: Invitae Variant Classification Sherloc (09022015). Collection method: clinical testing. Allele origin: germline.
Comment: This sequence change replaces histidine, which is basic and polar, with proline, which is neutral and non-polar, at codon 457 of the BLM protein (p.His457Pro). This variant is not present in population databases (gnomAD no frequency). This variant has not been reported in the literature in individuals affected with BLM-related conditions. Advanced modeling of protein sequence and biophysical properties (such as structural, functional, and spatial information, amino acid conservation, physicochemical variation, residue mobility, and thermodynamic stability) performed at Invitae indicates that this missense variant is not expected to disrupt BLM protein function with a negative predictive value of 80%. In summary, the available evidence is currently insufficient to determine the role of this variant in disease. Therefore, it has been classified as a Variant of Uncertain Significance.